The following is an entry in ClinVar:

NM_002691.4(POLD1):c.730T>C (p.Tyr244His)

Gene: POLD1 (DNA polymerase delta 1, catalytic subunit; plus strand). Cytogenetic location: 19q13.33.
Variant type: single nucleotide variant.
Coding change: c.730T>C on transcript NM_002691.4 (MANE Select); coding-DNA position 730, T replaced by C.
Protein change: p.Tyr244His; replaces tyrosine 244 with histidine.
Molecular consequence: missense variant. On other transcripts: non-coding transcript variant (1).
Genome position (GRCh38, 1-based): chr19:50,402,345, T>C. VCF-style: chr19-50402345-T-C. GRCh37 (hg19) VCF-style: chr19-50905602-T-C.
Other names: c.730T>C, p.Tyr244His (NM_001256849.1, NM_001308632.1); short protein forms Y244H.
Identifiers: ClinVar variation 1758258 (VCV001758258.2), dbSNP rs2513964493, ClinGen allele CA406974548.
Genomic context (GRCh38, chr19:50,402,345, plus strand): 5'-CGCCGTCTCCTGGAACAGGGCATCCGTGTGGCAGGCCTGGGCACGCCCAGCTTCGCGCCC[T>C]ACGAGGCCAACGTCGACTTTGAGATCCGGTACGGCCTCTGCCTCACTTCTCCGGCCTCTA-3'
Protein context (NP_002682.2, residues 234-254): AGLGTPSFAP[Tyr244His]EANVDFEIRF

ClinVar aggregate classification (germline): Uncertain significance (1 of 4 stars; one submission).

Conditions:
Hereditary cancer-predisposing syndrome. Also called: Neoplastic Syndromes, Hereditary; Tumor predisposition; Hereditary Cancer Syndrome; Hereditary neoplastic syndrome. Identifiers: Orphanet 140162, MedGen C0027672, MeSH D009386, MONDO:0015356.

Submission:

Ambry Genetics
Classification: Uncertain significance for Hereditary cancer-predisposing syndrome. Last evaluated: 2021-12-22. Review status: criteria provided, single submitter. Criteria: Ambry Variant Classification Scheme 2023. Collection method: clinical testing. Allele origin: germline.
Comment: The p.Y244H variant (also known as c.730T>C), located in coding exon 5 of the POLD1 gene, results from a T to C substitution at nucleotide position 730. The tyrosine at codon 244 is replaced by histidine, an amino acid with similar properties. This amino acid position is conserved. In addition, this alteration is predicted to be tolerated by in silico analysis. Since supporting evidence is limited at this time, the clinical significance of this alteration remains unclear.